The following is an entry in ClinVar:

ClinVar aggregate classification (germline): Uncertain significance (1 of 4 stars; one submission).

Conditions:
Epilepsy. Also called: Seizure disorder. Identifiers: MedGen C0014544, MeSH D004827, MONDO:0005027.

Allele frequency attached by ClinVar (database versions not stated): gnomAD exomes below 0.00001; gnomAD 0.00001 and 0.00002; TOPMed 0.00001.

Submission:

Labcorp Genetics (formerly Invitae), Labcorp
Classification: Uncertain significance for Epilepsy. Last evaluated: 2022-04-25. Review status: criteria provided, single submitter. Criteria: Invitae Variant Classification Sherloc (09022015). Collection method: clinical testing. Allele origin: germline.
Comment: This sequence change replaces leucine, which is neutral and non-polar, with proline, which is neutral and non-polar, at codon 81 of the PIGQ protein (p.Leu81Pro). This variant is present in population databases (no rsID available, gnomAD 0.001%). This variant has not been reported in the literature in individuals affected with PIGQ-related conditions. ClinVar contains an entry for this variant (Variation ID: 578170). Algorithms developed to predict the effect of missense changes on protein structure and function are either unavailable or do not agree on the potential impact of this missense change (SIFT: "Tolerated"; PolyPhen-2: "Probably Damaging"; Align-GVGD: "Class C0"). In summary, the available evidence is currently insufficient to determine the role of this variant in disease. Therefore, it has been classified as a Variant of Uncertain Significance.

NM_004204.5(PIGQ):c.242T>C (p.Leu81Pro)

Gene: PIGQ (phosphatidylinositol glycan anchor biosynthesis class Q; plus strand). Cytogenetic location: 16p13.3.
Variant type: single nucleotide variant.
Coding change: c.242T>C on transcript NM_004204.5 (MANE Select); coding-DNA position 242, T replaced by C.
Protein change: p.Leu81Pro; replaces leucine 81 with proline.
Molecular consequence: missense variant.
Genome position (GRCh38, 1-based): chr16:574,316, T>C. VCF-style: chr16-574316-T-C. GRCh37 (hg19) VCF-style: chr16-624316-T-C.
Other names: c.242T>C, p.Leu81Pro (NM_148920.4); short protein forms L81P.
Identifiers: ClinVar variation 578170 (VCV000578170.8), dbSNP rs1467620158, ClinGen allele CA394047114.